The following is an entry in ClinVar:

ClinVar aggregate classification (germline): Conflicting classifications of pathogenicity. Review status: criteria provided, conflicting classifications (1 of 4 stars). 8 submissions from 8 submitters: Uncertain significance (1); Likely benign (4). 3 of the submissions do not count toward it. Last evaluated 2026-05-01.

Conditions:
Rubinstein-Taybi syndrome (RSTS). Identifiers: Orphanet 783, MedGen C0035934, MONDO:0019188.
CREBBP-related disorder. Also called: CREBBP-related condition; CREBBP-related disorders.

Allele frequency attached by ClinVar (database versions not stated): gnomAD exomes 0.00008 and 0.00016; gnomAD 0.00011 and 0.00013; ExAC 0.00012; ESP Exome Variant Server 0.00015; TOPMed 0.00016.
gnomAD v4.1: 154 of 1,614,216 alleles (0.0095%); highest among the groups gnomAD compares: Middle Eastern, 0.12%; no homozygotes.

Submissions (8):

CeGaT Center for Human Genetics Tuebingen
Classification: Likely benign. Last evaluated: 2026-05-01. Review status: criteria provided, single submitter. Criteria: CeGaT Center For Human Genetics Tuebingen Variant Classification Criteria Version 2. Collection method: clinical testing. Allele origin: germline. Affected: yes. Observed: 1 variant allele.
Comment: CREBBP: BP4, BS1

Labcorp Genetics (formerly Invitae), Labcorp
Classification: Likely benign for Rubinstein-Taybi syndrome. Last evaluated: 2026-01-07. Review status: criteria provided, single submitter. Criteria: Invitae Variant Classification Sherloc (09022015). Collection method: clinical testing. Allele origin: germline.

Blueprint Genetics
Classification: Likely benign. Last evaluated: 2024-09-15. Review status: criteria provided, single submitter. Criteria: ACMG Guidelines, 2015. Collection method: clinical testing. Allele origin: germline.

Eurofins Ntd Llc (ga)
Classification: Uncertain significance. Last evaluated: 2014-11-24. Review status: criteria provided, single submitter. Criteria: EGL Classification Definitions 2015. Collection method: clinical testing. Allele origin: germline. Observed: 1 variant allele, 1 heterozygote.

Genetic Services Laboratory, University of Chicago
Classification: Likely benign. Last evaluated: 2013-02-08. Review status: criteria provided, single submitter. Criteria: ACMG Guidelines, 2007. Collection method: clinical testing. Allele origin: germline. Inheritance: Autosomal dominant inheritance.

PreventionGenetics, part of Exact Sciences
Classification: Likely benign for CREBBP-related condition. Last evaluated: 2021-06-03. Review status: no assertion criteria provided. Collection method: clinical testing. Allele origin: germline. Not counted in ClinVar's aggregate classification.
Comment: This variant is classified as likely benign based on ACMG/AMP sequence variant interpretation guidelines (Richards et al. 2015 PMID: 25741868, with internal and published modifications).

Clinical Genetics DNA and cytogenetics Diagnostics Lab, Erasmus MC, Erasmus Medical Center
Classification: Likely benign. Review status: no assertion criteria provided. Collection method: clinical testing. Allele origin: germline. Affected: yes. Study: VKGL Data-share Consensus. Not counted in ClinVar's aggregate classification.

Genome Diagnostics Laboratory, University Medical Center Utrecht
Classification: Likely benign. Review status: no assertion criteria provided. Collection method: clinical testing. Allele origin: germline. Affected: yes. Study: VKGL Data-share Consensus. Not counted in ClinVar's aggregate classification.

NM_004380.3(CREBBP):c.4280+8T>C

Gene: CREBBP (CREB binding lysine acetyltransferase; minus strand). Cytogenetic location: 16p13.3.
Variant type: single nucleotide variant.
Coding change: c.4280+8T>C on transcript NM_004380.3 (MANE Select); 8 bases into the intron after coding-DNA position 4280, T replaced by C.
Molecular consequence: intron variant.
Genome position (GRCh38, 1-based): chr16:3,739,570, A>G on the plus strand (T>C on the coding strand, the complement: CREBBP is on the minus strand). VCF-style: chr16-3739570-A-G. GRCh37 (hg19) VCF-style: chr16-3789571-A-G.
Other names: c.4166+8T>C (NM_001079846.1).
Identifiers: ClinVar variation 158371 (VCV000158371.26), dbSNP rs376814421, ClinGen allele CA171794.
Genomic context (GRCh38, chr16:3,739,570, plus strand): 5'-TTAAGAGCCCTGGTCTATCCTAACACGGCTCACTGAATGACACGCCCTGGAAGGAGCTGG[A>G]AAACTACCTCGTGTTTGGAGGGGGGCAATCAGAGCCGTATTCTTGGACGTGCATTCCAAA-3'